The following is an entry in ClinVar:

ClinVar aggregate classification (germline): Pathogenic. Review status: criteria provided, multiple submitters, no conflicts (2 of 4 stars). 2 submissions from 2 submitters: Pathogenic (2). Last evaluated 2017-01-10.

Conditions:
Breast-ovarian cancer, familial, susceptibility to, 1 (BROVCA1). Also called: BRCA1 Hereditary Breast and Ovarian Cancer; OVARIAN CANCER, SUSCEPTIBILITY TO. Identifiers: Orphanet 145, MedGen C2676676, MONDO:0011450, OMIM 604370. Disease mechanism: loss of function.
Hereditary breast ovarian cancer syndrome. Also called: Breast and ovarian cancer; Hereditary breast and ovarian cancer; Hereditary breast and ovarian cancer syndrome; Hereditary breast and/or ovarian cancer syndrome; BRCA1- and BRCA2-Associated Hereditary Breast and Ovarian Cancer; Hereditary breast and ovarian cancer syndrome (HBOC). Identifiers: Orphanet 145, MedGen C0677776, MeSH D061325, MONDO:0003582. Disease mechanism: loss of function.

Submissions (2):

Labcorp Genetics (formerly Invitae), Labcorp
Classification: Pathogenic for Hereditary breast ovarian cancer syndrome. Last evaluated: 2017-01-10. Review status: criteria provided, single submitter. Criteria: Invitae Variant Classification Sherloc (09022015). Collection method: clinical testing. Allele origin: germline.
Comment: This variant is a gross deletion of the genomic region encompassing exons 8-11 of the BRCA1 gene. This creates a premature translational stop signal and is expected to result in an absent or disrupted protein product. Loss-of-function variants, including exon-level deletions, in BRCA1 are known to be pathogenic. A similar deletion of exons 8-11 has been reported in individuals and families affected with breast and/or ovarian cancer, and is highly prevalent in the Hispanic population (PMID: 17646271, 24522996, 22544547, 25236687). This variant is also known as deletion of exons 9-12 in the literature. For these reasons, this variant has been classified as Pathogenic.

Consortium of Investigators of Modifiers of BRCA1/2 (CIMBA), c/o University of Cambridge
Classification: Pathogenic for Breast-ovarian cancer, familial, susceptibility to, 1. Last evaluated: 2015-10-02. Review status: criteria provided, single submitter. Criteria: CIMBA Mutation Classification guidelines May 2016. Collection method: clinical testing. Allele origin: germline.

NM_007294.3(BRCA1):c.548-?_4185+?del

Genes: BRCA1 (BRCA1 DNA repair associated; minus strand), LOC126862571 (BRD4-independent group 4 enhancer GRCh37_chr17:41243136-41244335; plus strand). Cytogenetic location: 17q21.31.
Variant type: Deletion.
Coding change: c.548-?_4185+?del on transcript NM_007294.3.
Other names: c.548-?_4185+?del (LRG_292t1).
Identifiers: ClinVar variation 219772 (VCV000219772.3).